The following is an entry in ClinVar:

NM_000268.4(NF2):c.1763G>A (p.Arg588Gln)

Gene: NF2 (NF2, moesin-ezrin-radixin like (MERLIN) tumor suppressor; plus strand). Cytogenetic location: 22q12.2.
Variant type: single nucleotide variant.
Coding change: c.1763G>A on transcript NM_000268.4 (MANE Select); coding-DNA position 1763, G replaced by A.
Protein change: p.Arg588Gln; replaces arginine 588 with glutamine.
Molecular consequence: missense variant. On other transcripts: 3 prime UTR variant (5), non-coding transcript variant (1).
Genome position (GRCh38, 1-based): chr22:29,694,777, G>A. VCF-style: chr22-29694777-G-A. GRCh37 (hg19) VCF-style: chr22-30090766-G-A.
Other names: c.*35G>A (NM_016418.5, NM_181828.3, NM_181829.3 and 1 more transcripts); c.*50G>A (NM_181832.3); c.473G>A, p.Arg158Gln (NM_181833.3); short protein forms R158Q, R588Q.
Identifiers: ClinVar variation 835220 (VCV000835220.10), dbSNP rs766689587, ClinGen allele CA040493.
Genomic context (GRCh38, chr22:29,694,777, plus strand): 5'-TGTGCCCTCTCAGCTTCTTCTCTGCTTTCTTACAGCTCACCTTGCAGAGCGCCAAGTCCC[G>A]AGTGGCCTTCTTTGAAGAGCTCTAGCAGGTGACCCAGCCACCCCAGGACCTGCCACTTCT-3'
Protein context (NP_000259.1, residues 578-595): KKLTLQSAKS[Arg588Gln]VAFFEEL

ClinVar aggregate classification (germline): Conflicting classifications of pathogenicity. Review status: criteria provided, conflicting classifications (1 of 4 stars). 2 submissions from 2 submitters: Uncertain significance (1); Likely benign (1). Last evaluated 2025-07-29.

Conditions:
Neurofibromatosis, type 2 (SWNV). Also called: BILATERAL ACOUSTIC NEUROFIBROMATOSIS; SCHWANNOMATOSIS, VESTIBULAR; NF2-Related Schwannomatosis. Identifiers: Orphanet 637, MedGen C0027832, MONDO:0007039, OMIM 101000. Disease mechanism: loss of function.
Hereditary cancer-predisposing syndrome. Also called: Tumor predisposition; Hereditary Cancer Syndrome; Hereditary neoplastic syndrome; Neoplastic Syndromes, Hereditary. Identifiers: Orphanet 140162, MedGen C0027672, MeSH D009386, MONDO:0015356.

Allele frequency attached by ClinVar (database versions not stated): ExAC 0.00001; gnomAD exomes 0.00001; TOPMed 0.00002.
gnomAD v4.1: 13 of 1,613,670 alleles (0.00081%); highest among the groups gnomAD compares: South Asian, 0.0022%; no homozygotes.

Submissions (2):

Labcorp Genetics (formerly Invitae), Labcorp
Classification: Uncertain significance for Neurofibromatosis, type 2. Last evaluated: 2025-07-29. Review status: criteria provided, single submitter. Criteria: Invitae Variant Classification Sherloc (09022015). Collection method: clinical testing. Allele origin: germline.
Comment: This sequence change replaces arginine, which is basic and polar, with glutamine, which is neutral and polar, at codon 588 of the NF2 protein (p.Arg588Gln). This variant is present in population databases (rs766689587, gnomAD 0.003%). This variant has not been reported in the literature in individuals affected with NF2-related conditions. ClinVar contains an entry for this variant (Variation ID: 835220). Invitae Evidence Modeling of protein sequence and biophysical properties (such as structural, functional, and spatial information, amino acid conservation, physicochemical variation, residue mobility, and thermodynamic stability) indicates that this missense variant is expected to disrupt NF2 protein function with a positive predictive value of 80%. In summary, the available evidence is currently insufficient to determine the role of this variant in disease. Therefore, it has been classified as a Variant of Uncertain Significance.

Ambry Genetics
Classification: Likely benign for Hereditary cancer-predisposing syndrome. Last evaluated: 2023-08-11. Review status: criteria provided, single submitter. Criteria: Ambry Variant Classification Scheme 2023. Collection method: clinical testing. Allele origin: germline.